The following is an entry in ClinVar:

ClinVar aggregate classification (germline): Uncertain significance. Review status: criteria provided, multiple submitters, no conflicts (2 of 4 stars). 2 submissions from 2 submitters: Uncertain significance (2). Last evaluated 2025-11-26.

Conditions:
Inborn genetic diseases. Identifiers: MedGen C0950123, MeSH D030342.
Familial sleep-related hypermotor epilepsy. Also called: Autosomal Dominant Sleep-Related Hypermotor (Hyperkinetic) Epilepsy. Identifiers: Orphanet 98784, MedGen C3696898, MONDO:0000030.

gnomAD v4.1: 1 of 1,595,264 alleles (0.000063%); highest among the groups gnomAD compares: Non-Finnish European, 0.000085%; no homozygotes.

Submissions (2):

Ambry Genetics
Classification: Uncertain significance for Inborn genetic diseases. Last evaluated: 2025-11-26. Review status: criteria provided, single submitter. Criteria: Ambry Variant Classification Scheme 2023. Collection method: clinical testing. Allele origin: germline.

Labcorp Genetics (formerly Invitae), Labcorp
Classification: Uncertain significance. Last evaluated: 2025-09-08. Review status: criteria provided, single submitter. Criteria: Invitae Variant Classification Sherloc (09022015). Collection method: clinical testing. Allele origin: germline.
Comment: This sequence change replaces alanine, which is neutral and non-polar, with serine, which is neutral and polar, at codon 2 of the CHRNB2 protein (p.Ala2Ser). This variant is not present in population databases (gnomAD no frequency). This variant has not been reported in the literature in individuals affected with CHRNB2-related conditions. ClinVar contains an entry for this variant (Variation ID: 1439535). Invitae Evidence Modeling of protein sequence and biophysical properties (such as structural, functional, and spatial information, amino acid conservation, physicochemical variation, residue mobility, and thermodynamic stability) indicates that this missense variant is not expected to disrupt CHRNB2 protein function with a negative predictive value of 95%. In summary, the available evidence is currently insufficient to determine the role of this variant in disease. Therefore, it has been classified as a Variant of Uncertain Significance.

NM_000748.3(CHRNB2):c.4G>T (p.Ala2Ser)

Genes: CHRNB2 (cholinergic receptor nicotinic beta 2 subunit; plus strand), LOC129931511 (ATAC-STARR-seq lymphoblastoid silent region 1363; plus strand). Cytogenetic location: 1q21.3.
Variant type: single nucleotide variant.
Coding change: c.4G>T on transcript NM_000748.3 (MANE Select); coding-DNA position 4, G replaced by T.
Protein change: p.Ala2Ser; replaces alanine 2 with serine.
Molecular consequence: missense variant.
Genome position (GRCh38, 1-based): chr1:154,568,048, G>T. VCF-style: chr1-154568048-G-T. GRCh37 (hg19) VCF-style: chr1-154540524-G-T.
Other names: c.4G>T (NM_000748.2); short protein forms A2S.
Identifiers: ClinVar variation 1439535 (VCV001439535.7), dbSNP rs2149365730, ClinGen allele CA342629040.
Genomic context (GRCh38, chr1:154,568,048, plus strand): 5'-TCCCCCCGGCGGCGCGCTCCAGCCGGTGTAGGCGAGGCAGCGAGCTATGCCCGCGGCATG[G>T]CCCGGCGCTGCGGCCCCGTGGCGCTGCTCCTTGGCTTCGGCCTCCTCCGGCTGTGCTCAG-3'
Protein context (NP_000739.1, residues 1-12): M[Ala2Ser]RRCGPVALLL